The following is an entry in ClinVar:

ClinVar aggregate classification (germline): Uncertain significance (1 of 4 stars; one submission).

Allele frequency attached by ClinVar (database versions not stated): gnomAD exomes 0.00001; TOPMed 0.00001.
gnomAD v4.1: 8 of 1,614,060 alleles (0.0005%); highest among the groups gnomAD compares: Non-Finnish European, 0.00068%; no homozygotes.

Submission:

Labcorp Genetics (formerly Invitae), Labcorp
Classification: Uncertain significance. Last evaluated: 2021-04-19. Review status: criteria provided, single submitter. Criteria: Invitae Variant Classification Sherloc (09022015). Collection method: clinical testing. Allele origin: germline.
Comment: In summary, the available evidence is currently insufficient to determine the role of this variant in disease. Therefore, it has been classified as a Variant of Uncertain Significance. Algorithms developed to predict the effect of missense changes on protein structure and function are either unavailable or do not agree on the potential impact of this missense change (SIFT: "Deleterious"; PolyPhen-2: "Probably Damaging"; Align-GVGD: "Class C0"). This variant has not been reported in the literature in individuals with LAMA1-related conditions. This variant is not present in population databases (ExAC no frequency). This sequence change replaces glutamic acid with lysine at codon 2601 of the LAMA1 protein (p.Glu2601Lys). The glutamic acid residue is moderately conserved and there is a small physicochemical difference between glutamic acid and lysine.

NM_005559.4(LAMA1):c.7801G>A (p.Glu2601Lys)

Gene: LAMA1 (laminin subunit alpha 1; minus strand). Cytogenetic location: 18p11.31.
Variant type: single nucleotide variant.
Coding change: c.7801G>A on transcript NM_005559.4 (MANE Select); coding-DNA position 7801, G replaced by A.
Protein change: p.Glu2601Lys; replaces glutamic acid 2601 with lysine.
Molecular consequence: missense variant.
Genome position (GRCh38, 1-based): chr18:6,958,640, C>T on the plus strand (G>A on the coding strand, the complement: LAMA1 is on the minus strand). VCF-style: chr18-6958640-C-T. GRCh37 (hg19) VCF-style: chr18-6958639-C-T.
Other names: short protein forms E2601K.
Identifiers: ClinVar variation 1401586 (VCV001401586.8), dbSNP rs908817930, ClinGen allele CA295778669.